The following is an entry in ClinVar:

NM_138477.4(CDAN1):c.*788G>T

Gene: CDAN1 (codanin 1; minus strand). Cytogenetic location: 15q15.2.
Variant type: single nucleotide variant.
Coding change: c.*788G>T on transcript NM_138477.4 (MANE Select); 788 bases downstream of the stop codon, G replaced by T.
Molecular consequence: 3 prime UTR variant.
Genome position (GRCh38, 1-based): chr15:42,723,703, C>A on the plus strand (G>T on the coding strand, the complement: CDAN1 is on the minus strand). VCF-style: chr15-42723703-C-A. GRCh37 (hg19) VCF-style: chr15-43015901-C-A.
Other names: c.*788G>T (LRG_1164t1).
Identifiers: ClinVar variation 315907 (VCV000315907.29), dbSNP rs886051154, ClinGen allele CA10641828.

ClinVar aggregate classification (germline): Uncertain significance. Review status: criteria provided, multiple submitters, no conflicts (2 of 4 stars). 2 submissions from 2 submitters: Uncertain significance (2). Last evaluated 2022-09-01.

Conditions:
Congenital dyserythropoietic anemia, type I. Also called: Dyserythropoietic anemia, congenital type 1. Identifiers: Orphanet 98869, MedGen C0271933, MONDO:0020337. Disease mechanism: loss of function.

Submissions (2):

CeGaT Center for Human Genetics Tuebingen
Classification: Uncertain significance. Last evaluated: 2022-09-01. Review status: criteria provided, single submitter. Criteria: CeGaT Center For Human Genetics Tuebingen Variant Classification Criteria Version 2. Collection method: clinical testing. Allele origin: germline. Affected: yes. Observed: 1 variant allele.
Comment: CDAN1: PM2

Illumina Laboratory Services, Illumina
Classification: Uncertain significance for Anemia, congenital dyserythropoietic, type 1a. Last evaluated: 2018-01-13. Review status: criteria provided, single submitter. Criteria: ICSL Variant Classification Criteria 13 December 2019. Collection method: clinical testing. Allele origin: germline.